The following is an entry in ClinVar:

NM_000138.5(FBN1):c.2448C>A (p.Cys816Ter)

Gene: FBN1 (fibrillin 1; minus strand). Cytogenetic location: 15q21.1.
Variant type: single nucleotide variant.
Coding change: c.2448C>A on transcript NM_000138.5 (MANE Select); coding-DNA position 2448, C replaced by A.
Protein change: p.Cys816Ter; replaces cysteine 816 with a stop codon.
Molecular consequence: nonsense.
Genome position (GRCh38, 1-based): chr15:48,495,560, G>T on the plus strand (C>A on the coding strand, the complement: FBN1 is on the minus strand). VCF-style: chr15-48495560-G-T. GRCh37 (hg19) VCF-style: chr15-48787757-G-T.
Other names: c.2448C>A, p.Cys816Ter (NM_001406716.1); short protein forms C816*.
Identifiers: ClinVar variation 4530777 (VCV004530777.2).

ClinVar aggregate classification (germline): Pathogenic. Review status: criteria provided, multiple submitters, no conflicts (2 of 4 stars). 2 submissions from 2 submitters: Pathogenic (2). Last evaluated 2025-05-22.

Conditions:
Marfan syndrome (MFS). Also called: MARFAN SYNDROME, TYPE I; Marfan syndrome type 1; Marfan's syndrome; Marfan syndrome, classic; FBN1-Related Marfan Syndrome. Identifiers: Orphanet 284963, Orphanet 558, MedGen C0024796, MONDO:0007947, OMIM 154700.
Familial thoracic aortic aneurysm and aortic dissection (TAAD). Also called: Thoracic aortic aneurysms and dissections. Identifiers: Orphanet 91387, MedGen C4707243, MONDO:0019625.

Submissions (2):

GeneDx
Classification: Pathogenic. Last evaluated: 2025-05-22. Review status: criteria provided, single submitter. Criteria: GeneDx Variant Classification Process June 2021. Collection method: clinical testing. Allele origin: germline. Affected: yes.
Comment: Nonsense variant predicted to result in protein truncation or nonsense mediated decay in a gene for which loss of function is a known mechanism of disease; Not observed at significant frequency in large population cohorts (gnomAD); This variant is associated with the following publications: (PMID: 25525159, 19293843, 37625564)

Labcorp Genetics (formerly Invitae), Labcorp
Classification: Pathogenic for Marfan syndrome; Familial thoracic aortic aneurysm and aortic dissection. Last evaluated: 2025-05-22. Review status: criteria provided, single submitter. Criteria: Invitae Variant Classification Sherloc (09022015). Collection method: clinical testing. Allele origin: germline.
Comment: This sequence change creates a premature translational stop signal (p.Cys816*) in the FBN1 gene. It is expected to result in an absent or disrupted protein product. Loss-of-function variants in FBN1 are known to be pathogenic (PMID: 17657824, 19293843). This variant is not present in population databases (gnomAD no frequency). This premature translational stop signal has been observed in individual(s) with clinical features of Marfan syndrome or thoracic aortic aneurysm and dissection (PMID: 19293843, 37625564). For these reasons, this variant has been classified as Pathogenic.

Literature cited by the submitters: PubMed 17657824 (cited by Labcorp Genetics (formerly Invitae), Labcorp); PubMed 19293843 (cited by Labcorp Genetics (formerly Invitae), Labcorp); PubMed 37625564 (cited by Labcorp Genetics (formerly Invitae), Labcorp).